The following is an entry in ClinVar:

ClinVar aggregate classification (germline): Uncertain significance (1 of 4 stars; one submission).

Submission:

GeneDx
Classification: Uncertain significance. Last evaluated: 2025-05-21. Review status: criteria provided, single submitter. Criteria: GeneDx Variant Classification Process June 2021. Collection method: clinical testing. Allele origin: germline. Affected: yes.
Comment: Not observed at significant frequency in large population cohorts (gnomAD); Has not been previously published as pathogenic or benign to our knowledge; Nonsense variant predicted to result in protein truncation as the last 45 amino acid(s) are lost with an unclear effect on protein function

NM_001961.4(EEF2):c.2439_2440del (p.Val813_Phe814insTer)

Gene: EEF2 (eukaryotic translation elongation factor 2; minus strand). Cytogenetic location: 19p13.3.
Variant type: Microsatellite.
Coding change: c.2439_2440del on transcript NM_001961.4 (MANE Select); coding-DNA positions 2439 to 2440, 2 bases deleted (GT; older notation c.2439_2440delGT).
Protein change: p.Val813_Phe814insTer.
Molecular consequence: frameshift variant.
Genome position (GRCh38, 1-based): chr19:3,976,691-3,976,692, AC deleted on the plus strand (GT on the coding strand, the reverse complement: EEF2 is on the minus strand); deleting any 2 consecutive bases within chr19:3,976,691-3,976,698 gives the same sequence; the c. name uses the placement nearest the transcript's 3' end. VCF-style (leftmost placement, unchanged base first): chr19-3976690-AAC-A. GRCh37 (hg19) VCF-style: chr19-3976688-AAC-A.
Identifiers: ClinVar variation 4531145 (VCV004531145.1).